The following is an entry in ClinVar:

NM_000039.3(APOA1):c.330G>C (p.Met110Ile)

Genes: APOA1-AS (APOA1 antisense RNA; plus strand), APOA1 (apolipoprotein A1; minus strand). Cytogenetic location: 11q23.3.
Variant type: single nucleotide variant.
Coding change: c.330G>C on transcript NM_000039.3 (MANE Select); coding-DNA position 330, G replaced by C.
Protein change: p.Met110Ile; replaces methionine 110 with isoleucine.
Molecular consequence: missense variant.
Genome position (GRCh38, 1-based): chr11:116,836,282, C>G on the plus strand (G>C on the coding strand, the complement: APOA1 is on the minus strand). VCF-style: chr11-116836282-C-G. GRCh37 (hg19) VCF-style: chr11-116706998-C-G.
Other names: c.330G>C, p.Met110Ile (NM_001318017.2, NM_001318018.2); c.3G>C, p.Met1Ile (NM_001318021.2); short protein forms M110I, M1I.
Identifiers: ClinVar variation 1377171 (VCV001377171.8), dbSNP rs745829293, ClinGen allele CA6289824.

ClinVar aggregate classification (germline): Uncertain significance. Review status: criteria provided, multiple submitters, no conflicts (2 of 4 stars). 2 submissions from 2 submitters: Uncertain significance (2). Last evaluated 2024-11-04.

Conditions:
Cardiovascular phenotype. Identifiers: MedGen CN230736.

Allele frequency attached by ClinVar (database versions not stated): gnomAD exomes below 0.00001 and 0.00001; TOPMed below 0.00001; ExAC 0.00001.

Submissions (2):

Labcorp Genetics (formerly Invitae), Labcorp
Classification: Uncertain significance. Last evaluated: 2024-11-04. Review status: criteria provided, single submitter. Criteria: Invitae Variant Classification Sherloc (09022015). Collection method: clinical testing. Allele origin: germline.
Comment: This sequence change replaces methionine, which is neutral and non-polar, with isoleucine, which is neutral and non-polar, at codon 110 of the APOA1 protein (p.Met110Ile). This variant is present in population databases (rs745829293, gnomAD 0.0009%). This variant has not been reported in the literature in individuals affected with APOA1-related conditions. ClinVar contains an entry for this variant (Variation ID: 1377171). An algorithm developed to predict the effect of missense changes on protein structure and function outputs the following: PolyPhen-2: "Benign". The isoleucine amino acid residue is found in multiple mammalian species, which suggests that this missense change does not adversely affect protein function. In summary, the available evidence is currently insufficient to determine the role of this variant in disease. Therefore, it has been classified as a Variant of Uncertain Significance.

Ambry Genetics
Classification: Uncertain significance for Cardiovascular phenotype. Last evaluated: 2024-01-11. Review status: criteria provided, single submitter. Criteria: Ambry Variant Classification Scheme 2023. Collection method: clinical testing. Allele origin: germline.
Comment: The p.M110I variant (also known as c.330G>C), located in coding exon 3 of the APOA1 gene, results from a G to C substitution at nucleotide position 330. The methionine at codon 110 is replaced by isoleucine, an amino acid with highly similar properties. This amino acid position is conserved. In addition, this alteration is predicted to be tolerated by in silico analysis. Since supporting evidence is limited at this time, the clinical significance of this alteration remains unclear.